The following is an entry in ClinVar:

ClinVar aggregate classification (germline): Pathogenic/Likely pathogenic. Review status: criteria provided, multiple submitters, no conflicts (2 of 4 stars). 2 submissions from 2 submitters: Pathogenic (1); Likely pathogenic (1). Last evaluated 2016-12-13.

Conditions:
Seizure. Also called: Seizures. Identifiers: MedGen C0036572, HP:0001250.
Inborn genetic diseases. Identifiers: MedGen C0950123, MeSH D030342.

Submissions (2):

Ambry Genetics
Classification: Pathogenic for Inborn genetic diseases. Last evaluated: 2016-12-13. Review status: criteria provided, single submitter. Criteria: Ambry Variant Classification Scheme 2023. Collection method: clinical testing. Allele origin: germline.
Comment: The p.E231D pathogenic mutation (also known as c.693G>T), located in coding exon 5 of the KCNQ2 gene, results from a G to T substitution at nucleotide position 693. The glutamic acid at codon 231 is replaced by aspartic acid, an amino acid with highly similar properties. Based on the supporting evidence, this alteration is interpreted as a disease-causing mutation.

Genetic Services Laboratory, University of Chicago
Classification: Likely pathogenic for Seizures. Last evaluated: 2015-07-08. Review status: criteria provided, single submitter. Criteria: ACMG Guidelines, 2015. Collection method: clinical testing. Allele origin: germline. Affected: yes.

Literature cited by the submitters: PubMed 26795593 (cited by Ambry Genetics).

NM_172107.4(KCNQ2):c.693G>T (p.Glu231Asp)

Gene: KCNQ2 (potassium voltage-gated channel subfamily Q member 2; minus strand). Cytogenetic location: 20q13.33.
Variant type: single nucleotide variant.
Coding change: c.693G>T on transcript NM_172107.4 (MANE Select); coding-DNA position 693, G replaced by T.
Protein change: p.Glu231Asp; replaces glutamic acid 231 with aspartic acid.
Molecular consequence: missense variant.
Genome position (GRCh38, 1-based): chr20:63,442,529, C>A on the plus strand (G>T on the coding strand, the complement: KCNQ2 is on the minus strand). VCF-style: chr20-63442529-C-A. GRCh37 (hg19) VCF-style: chr20-62073882-C-A.
Other names: c.693G>T, p.Glu231Asp (NM_004518.6, NM_172106.3, NM_172108.5 and 1 more transcripts); short protein forms E231D.
Identifiers: ClinVar variation 211234 (VCV000211234.10), dbSNP rs797044938, ClinGen allele CA205596.